The following is an entry in ClinVar:

ClinVar aggregate classification (germline): Uncertain significance (1 of 4 stars; one submission).

Allele frequency attached by ClinVar (database versions not stated): gnomAD exomes below 0.00001; TOPMed below 0.00001; gnomAD 0.00001.
gnomAD v4.1: 2 of 1,613,888 alleles (0.00012%); highest among the groups gnomAD compares: Non-Finnish European, 0.00017%; no homozygotes.

Submission:

Labcorp Genetics (formerly Invitae), Labcorp
Classification: Uncertain significance. Last evaluated: 2019-08-23. Review status: criteria provided, single submitter. Criteria: Invitae Variant Classification Sherloc (09022015). Collection method: clinical testing. Allele origin: germline.
Comment: Algorithms developed to predict the effect of sequence changes on RNA splicing suggest that this variant may create or strengthen a splice site, but this prediction has not been confirmed by published transcriptional studies. This variant has not been reported in the literature in individuals with HOXB13-related conditions. This variant is not present in population databases (ExAC no frequency). This sequence change creates a premature translational stop signal (p.Tyr80*) in the HOXB13 gene. It is expected to result in an absent or disrupted protein product. The current clinical and genetic evidence is not sufficient to establish whether loss-of-function variants in HOXB13 cause disease. In summary, the available evidence is currently insufficient to determine the role of this variant in disease. Therefore, it has been classified as a Variant of Uncertain Significance.

NM_006361.6(HOXB13):c.240T>A (p.Tyr80Ter)

Gene: HOXB13 (homeobox B13; minus strand). Cytogenetic location: 17q21.32.
Variant type: single nucleotide variant.
Coding change: c.240T>A on transcript NM_006361.6 (MANE Select); coding-DNA position 240, T replaced by A.
Protein change: p.Tyr80Ter; replaces tyrosine 80 with a stop codon.
Molecular consequence: nonsense.
Genome position (GRCh38, 1-based): chr17:48,728,354, A>T on the plus strand (T>A on the coding strand, the complement: HOXB13 is on the minus strand). VCF-style: chr17-48728354-A-T. GRCh37 (hg19) VCF-style: chr17-46805716-A-T.
Other names: short protein forms Y80*.
Identifiers: ClinVar variation 953369 (VCV000953369.7), dbSNP rs1225811562, ClinGen allele CA400107861.
Genomic context (GRCh38, chr17:48,728,354, plus strand): 5'-ACAGGGTTTCAGCGAGCTCCGGGACACTCGGCAGGAGTAGTACCCGCCTCCAAAGTAACC[A>T]TAAGGCACGGGAGCTGGGGACGTCCCCTGGGGCACCCCAGGGCATGGGTGGCATTGCTTT-3'